The following is an entry in ClinVar:

ClinVar aggregate classification (germline): Uncertain significance (1 of 4 stars; one submission).

Allele frequency attached by ClinVar (database versions not stated): ExAC 0.00001; TOPMed 0.00001; gnomAD exomes 0.00002 and 0.00011; gnomAD 0.00003 and 0.00004.
gnomAD v4.1: 163 of 1,585,744 alleles (0.01%); highest among the groups gnomAD compares: Non-Finnish European, 0.014%; 1 homozygote.

Submission:

Labcorp Genetics (formerly Invitae), Labcorp
Classification: Uncertain significance. Last evaluated: 2022-04-08. Review status: criteria provided, single submitter. Criteria: Invitae Variant Classification Sherloc (09022015). Collection method: clinical testing. Allele origin: germline.
Comment: This sequence change replaces isoleucine, which is neutral and non-polar, with threonine, which is neutral and polar, at codon 128 of the PNPT1 protein (p.Ile128Thr). This variant is present in population databases (rs764292574, gnomAD 0.004%). This variant has not been reported in the literature in individuals affected with PNPT1-related conditions. Algorithms developed to predict the effect of missense changes on protein structure and function (SIFT, PolyPhen-2, Align-GVGD) all suggest that this variant is likely to be disruptive. In summary, the available evidence is currently insufficient to determine the role of this variant in disease. Therefore, it has been classified as a Variant of Uncertain Significance.

NM_033109.5(PNPT1):c.383T>C (p.Ile128Thr)

Gene: PNPT1 (polyribonucleotide nucleotidyltransferase 1; minus strand). Cytogenetic location: 2p16.1.
Variant type: single nucleotide variant.
Coding change: c.383T>C on transcript NM_033109.5 (MANE Select); coding-DNA position 383, T replaced by C.
Protein change: p.Ile128Thr; replaces isoleucine 128 with threonine.
Molecular consequence: missense variant.
Genome position (GRCh38, 1-based): chr2:55,684,963, A>G on the plus strand (T>C on the coding strand, the complement: PNPT1 is on the minus strand). VCF-style: chr2-55684963-A-G. GRCh37 (hg19) VCF-style: chr2-55912098-A-G.
Other names: short protein forms I128T.
Identifiers: ClinVar variation 1441483 (VCV001441483.3), dbSNP rs764292574, ClinGen allele CA1668528.